The following is an entry in ClinVar:

NM_004655.4(AXIN2):c.2213C>G (p.Ser738Cys)

Gene: AXIN2 (axin 2; minus strand). Cytogenetic location: 17q24.1.
Variant type: single nucleotide variant.
Coding change: c.2213C>G on transcript NM_004655.4 (MANE Select); coding-DNA position 2213, C replaced by G.
Protein change: p.Ser738Cys; replaces serine 738 with cysteine.
Molecular consequence: missense variant.
Genome position (GRCh38, 1-based): chr17:65,535,650, G>C on the plus strand (C>G on the coding strand, the complement: AXIN2 is on the minus strand). VCF-style: chr17-65535650-G-C. GRCh37 (hg19) VCF-style: chr17-63531768-G-C.
Other names: c.2018C>G, p.Ser673Cys (NM_001363813.1); c.2213C>G (NM_004655.3); short protein forms S673C, S738C.
Identifiers: ClinVar variation 1389063 (VCV001389063.7), dbSNP rs139209450, ClinGen allele CA400675741.

ClinVar aggregate classification (germline): Conflicting classifications of pathogenicity. Review status: criteria provided, conflicting classifications (1 of 4 stars). 2 submissions from 2 submitters: Uncertain significance (1); Likely benign (1). Last evaluated 2025-12-10.

Conditions:
Hereditary cancer-predisposing syndrome. Also called: Neoplastic Syndromes, Hereditary; Tumor predisposition; Hereditary neoplastic syndrome; Hereditary Cancer Syndrome. Identifiers: Orphanet 140162, MedGen C0027672, MeSH D009386, MONDO:0015356.
Oligodontia-cancer predisposition syndrome. Also called: TOOTH AGENESIS-COLORECTAL CANCER SYNDROME. Identifiers: Orphanet 300576, MedGen C1837750, MONDO:0012075, OMIM 608615. Disease mechanism: loss of function.

gnomAD v4.1: 1 of 1,614,214 alleles (0.000062%); highest among the groups gnomAD compares: East Asian, 0.0022%; no homozygotes.

Submissions (2):

Labcorp Genetics (formerly Invitae), Labcorp
Classification: Uncertain significance for Oligodontia-cancer predisposition syndrome. Last evaluated: 2025-12-10. Review status: criteria provided, single submitter. Criteria: Invitae Variant Classification Sherloc (09022015). Collection method: clinical testing. Allele origin: germline.
Comment: This sequence change replaces serine, which is neutral and polar, with cysteine, which is neutral and slightly polar, at codon 738 of the AXIN2 protein (p.Ser738Cys). This variant is not present in population databases (gnomAD no frequency). This variant has not been reported in the literature in individuals affected with AXIN2-related conditions. ClinVar contains an entry for this variant (Variation ID: 1389063). An algorithm developed to predict the effect of missense changes on protein structure and function outputs the following: PolyPhen-2: "Benign". The cysteine amino acid residue is found in multiple mammalian species, which suggests that this missense change does not adversely affect protein function. In summary, the available evidence is currently insufficient to determine the role of this variant in disease. Therefore, it has been classified as a Variant of Uncertain Significance.

Ambry Genetics
Classification: Likely benign for Hereditary cancer-predisposing syndrome. Last evaluated: 2025-01-02. Review status: criteria provided, single submitter. Criteria: Ambry Variant Classification Scheme 2023. Collection method: clinical testing. Allele origin: germline.